The following is an entry in ClinVar:

ClinVar aggregate classification (germline): Uncertain significance (1 of 4 stars; one submission).

Submission:

GeneDx
Classification: Uncertain significance. Last evaluated: 2023-06-28. Review status: criteria provided, single submitter. Criteria: GeneDx Variant Classification Process June 2021. Collection method: clinical testing. Allele origin: germline. Affected: yes.
Comment: Not observed at significant frequency in large population cohorts (gnomAD); In silico analysis supports that this missense variant has a deleterious effect on protein structure/function; Has not been previously published as pathogenic or benign to our knowledge

NM_012309.5(SHANK2):c.200A>G (p.Gln67Arg)

Gene: SHANK2 (SH3 and multiple ankyrin repeat domains 2; minus strand). Cytogenetic location: 11q13.4.
Variant type: single nucleotide variant.
Coding change: c.200A>G on transcript NM_012309.5 (MANE Select); coding-DNA position 200, A replaced by G.
Protein change: p.Gln67Arg; replaces glutamine 67 with arginine.
Molecular consequence: missense variant.
Genome position (GRCh38, 1-based): chr11:71,147,127, T>C on the plus strand (A>G on the coding strand, the complement: SHANK2 is on the minus strand). VCF-style: chr11-71147127-T-C. GRCh37 (hg19) VCF-style: chr11-70858173-T-C.
Other names: short protein forms Q67R.
Identifiers: ClinVar variation 3360464 (VCV003360464.1).